The following is an entry in ClinVar:

NM_001271.4(CHD2):c.1768A>C (p.Asn590His)

Gene: CHD2 (chromodomain helicase DNA binding protein 2; plus strand). Cytogenetic location: 15q26.1.
Variant type: single nucleotide variant.
Coding change: c.1768A>C on transcript NM_001271.4 (MANE Select); coding-DNA position 1768, A replaced by C.
Protein change: p.Asn590His; replaces asparagine 590 with histidine.
Molecular consequence: missense variant.
Genome position (GRCh38, 1-based): chr15:92,955,471, A>C. VCF-style: chr15-92955471-A-C. GRCh37 (hg19) VCF-style: chr15-93498701-A-C.
Other names: short protein forms N590H.
Identifiers: ClinVar variation 4763550 (VCV004763550.1).

ClinVar aggregate classification (germline): Uncertain significance (1 of 4 stars; one submission).

Conditions:
Developmental and epileptic encephalopathy 94 (DEE94). Also called: Epileptic encephalopathy, childhood-onset; CHD2-Related Neurodevelopmental Disorders. Identifiers: Orphanet 1942, Orphanet 2382, MedGen C3809278, MONDO:0014150, OMIM 615369.

Submission:

Labcorp Genetics (formerly Invitae), Labcorp
Classification: Uncertain significance for Developmental and epileptic encephalopathy 94. Last evaluated: 2025-05-07. Review status: criteria provided, single submitter. Criteria: Invitae Variant Classification Sherloc (09022015). Collection method: clinical testing. Allele origin: germline.
Comment: This sequence change replaces asparagine, which is neutral and polar, with histidine, which is basic and polar, at codon 590 of the CHD2 protein (p.Asn590His). This variant is not present in population databases (gnomAD no frequency). This variant has not been reported in the literature in individuals affected with CHD2-related conditions. Invitae Evidence Modeling of protein sequence and biophysical properties (such as structural, functional, and spatial information, amino acid conservation, physicochemical variation, residue mobility, and thermodynamic stability) indicates that this missense variant is not expected to disrupt CHD2 protein function with a negative predictive value of 95%. In summary, the available evidence is currently insufficient to determine the role of this variant in disease. Therefore, it has been classified as a Variant of Uncertain Significance.